The following is an entry in ClinVar:

NM_015158.5(KANK1):c.59G>A (p.Ser20Asn)

Gene: KANK1 (KN motif and ankyrin repeat domains 1; plus strand). Cytogenetic location: 9p24.3.
Variant type: single nucleotide variant.
Coding change: c.59G>A on transcript NM_015158.5 (MANE Select); coding-DNA position 59, G replaced by A.
Protein change: p.Ser20Asn; replaces serine 20 with asparagine.
Molecular consequence: missense variant. On other transcripts: 5 prime UTR variant (12), non-coding transcript variant (1).
Genome position (GRCh38, 1-based): chr9:710,825, G>A. VCF-style: chr9-710825-G-A. GRCh37 (hg19) VCF-style: chr9-710825-G-A.
Other names: c.59G>A, p.Ser20Asn (NM_001256876.3, NM_001256877.3, NM_001354331.2 and 2 more transcripts); c.-416G>A (NM_001354333.2, NM_001354335.2, NM_001354336.2 and 9 more transcripts); short protein forms S20N.
Identifiers: ClinVar variation 1717014 (VCV001717014.5), dbSNP rs1306959059, ClinGen allele CA372745372.

ClinVar aggregate classification (germline): Uncertain significance (1 of 4 stars; one submission).

Allele frequency attached by ClinVar (database versions not stated): gnomAD exomes below 0.00001.
gnomAD v4.1: 1 of 1,602,474 alleles (0.000062%); highest among the groups gnomAD compares: African/African-American, 0.0013%; no homozygotes.

Submission:

Labcorp Genetics (formerly Invitae), Labcorp
Classification: Uncertain significance. Last evaluated: 2023-08-09. Review status: criteria provided, single submitter. Criteria: Invitae Variant Classification Sherloc (09022015). Collection method: clinical testing. Allele origin: germline.
Comment: In summary, the available evidence is currently insufficient to determine the role of this variant in disease. Therefore, it has been classified as a Variant of Uncertain Significance. This sequence change replaces serine, which is neutral and polar, with asparagine, which is neutral and polar, at codon 20 of the KANK1 protein (p.Ser20Asn). This variant is not present in population databases (gnomAD no frequency). This variant has not been reported in the literature in individuals affected with KANK1-related conditions. ClinVar contains an entry for this variant (Variation ID: 1717014). Algorithms developed to predict the effect of missense changes on protein structure and function output the following: SIFT: "Not Available"; PolyPhen-2: "Benign"; Align-GVGD: "Not Available". The asparagine amino acid residue is found in multiple mammalian species, which suggests that this missense change does not adversely affect protein function.